The following is an entry in ClinVar:

NM_001164508.2(NEB):c.11946G>A (p.Met3982Ile)

Gene: NEB (nebulin; minus strand). Cytogenetic location: 2q23.3.
Variant type: single nucleotide variant.
Coding change: c.11946G>A on transcript NM_001164508.2 (MANE Select); coding-DNA position 11946, G replaced by A.
Protein change: p.Met3982Ile; replaces methionine 3982 with isoleucine.
Molecular consequence: missense variant.
Genome position (GRCh38, 1-based): chr2:151,610,588, C>T on the plus strand (G>A on the coding strand, the complement: NEB is on the minus strand). VCF-style: chr2-151610588-C-T. GRCh37 (hg19) VCF-style: chr2-152467102-C-T.
Other names: c.11946G>A, p.Met3982Ile (NM_001164507.2, NM_001271208.2); c.11217G>A, p.Met3739Ile (NM_004543.5); c.11217G>A (NM_004543.4); short protein forms M3739I, M3982I.
Identifiers: ClinVar variation 1351734 (VCV001351734.6), dbSNP rs2097912146, ClinGen allele CA348778161.

ClinVar aggregate classification (germline): Uncertain significance. Review status: criteria provided, multiple submitters, no conflicts (2 of 4 stars). 2 submissions from 2 submitters: Uncertain significance (2). Last evaluated 2025-06-25.

Conditions:
Nemaline myopathy 2 (NEM2). Also called: Nemaline myopathy 2, autosomal recessive. Identifiers: MedGen C1850569, MONDO:0009725, OMIM 256030.
Inborn genetic diseases. Identifiers: MedGen C0950123, MeSH D030342.

Allele frequency attached by ClinVar (database versions not stated): gnomAD 0.00001.
gnomAD v4.1: 1 of 1,613,612 alleles (0.000062%); highest among the groups gnomAD compares: African/African-American, 0.0013%; no homozygotes.

Submissions (2):

Ambry Genetics
Classification: Uncertain significance for Inborn genetic diseases. Last evaluated: 2025-06-25. Review status: criteria provided, single submitter. Criteria: Ambry Variant Classification Scheme 2023. Collection method: clinical testing. Allele origin: germline.

Labcorp Genetics (formerly Invitae), Labcorp
Classification: Uncertain significance for Nemaline myopathy 2. Last evaluated: 2021-09-24. Review status: criteria provided, single submitter. Criteria: Invitae Variant Classification Sherloc (09022015). Collection method: clinical testing. Allele origin: germline.
Comment: This sequence change replaces methionine with isoleucine at codon 3982 of the NEB protein (p.Met3982Ile). The methionine residue is moderately conserved and there is a small physicochemical difference between methionine and isoleucine. This variant is not present in population databases (ExAC no frequency). This variant has not been reported in the literature in individuals affected with NEB-related conditions. Algorithms developed to predict the effect of missense changes on protein structure and function are either unavailable or do not agree on the potential impact of this missense change (SIFT: "Deleterious"; PolyPhen-2: "Not Available"; Align-GVGD: "Class C0"). In summary, the available evidence is currently insufficient to determine the role of this variant in disease. Therefore, it has been classified as a Variant of Uncertain Significance.